The following is an entry in ClinVar:

NM_004998.4(MYO1E):c.2441G>A (p.Arg814Gln)

Gene: MYO1E (myosin IE; minus strand). Cytogenetic location: 15q22.2.
Variant type: single nucleotide variant.
Coding change: c.2441G>A on transcript NM_004998.4 (MANE Select); coding-DNA position 2441, G replaced by A.
Protein change: p.Arg814Gln; replaces arginine 814 with glutamine.
Molecular consequence: missense variant.
Genome position (GRCh38, 1-based): chr15:59,171,936, C>T on the plus strand (G>A on the coding strand, the complement: MYO1E is on the minus strand). VCF-style: chr15-59171936-C-T. GRCh37 (hg19) VCF-style: chr15-59464135-C-T.
Other names: short protein forms R814Q.
Identifiers: ClinVar variation 4883140 (VCV004883140.2).

ClinVar aggregate classification (germline): Uncertain significance (1 of 4 stars; one submission).

Conditions:
Focal segmental glomerulosclerosis 6 (FSGS6). Identifiers: Orphanet 656, MedGen C3279905, MONDO:0013589, OMIM 614131.

gnomAD v4.1: 21 of 1,614,058 alleles (0.0013%); highest among the groups gnomAD compares: Admixed American, 0.0017%; no homozygotes.

Submission:

Dasa
Classification: Uncertain significance for Focal segmental glomerulosclerosis 6. Last evaluated: 2025-12-22. Review status: criteria provided, single submitter. Criteria: DASA Assertion Criteria. Collection method: clinical testing. Allele origin: germline.
Comment: NM_004998.4(MYO1E):c.2441G>A (p.Arg814Gln) is a missense variant that results in the substitution of arginine with glutamine. This variant is rare in population databases. The currently available literature and clinical evidence are not sufficient to establish a definitive association between this variant and the reported condition. Therefore, this variant is classified as a variant of uncertain significance.